The following is an entry in ClinVar:

NM_000127.3(EXT1):c.1417+1G>T

Gene: EXT1 (exostosin glycosyltransferase 1; minus strand). Cytogenetic location: 8q24.11.
Variant type: single nucleotide variant.
Coding change: c.1417+1G>T on transcript NM_000127.3 (MANE Select); the canonical splice donor site of the intron after coding-DNA position 1417, G replaced by T.
Molecular consequence: splice donor variant.
Genome position (GRCh38, 1-based): chr8:117,822,464, C>A on the plus strand (G>T on the coding strand, the complement: EXT1 is on the minus strand). VCF-style: chr8-117822464-C-A. GRCh37 (hg19) VCF-style: chr8-118834703-C-A.
Identifiers: ClinVar variation 845456 (VCV000845456.12), dbSNP rs1586997796, ClinGen allele CA371887012.

ClinVar aggregate classification (germline): Pathogenic. Review status: criteria provided, multiple submitters, no conflicts (2 of 4 stars). 2 submissions from 2 submitters: Pathogenic (2). Last evaluated 2025-08-04.

Conditions:
Multiple congenital exostosis (EXT). Also called: Hereditary multiple osteochondromas; Multiple osteochondromas; Multiple exostoses; Hereditary multiple exostoses; Hereditary multiple exostosis; MULTIPLE CARTILAGINOUS EXOSTOSES. Identifiers: Orphanet 321, MedGen C0015306, MONDO:0005508, HP:0002762.

Submissions (2):

Labcorp Genetics (formerly Invitae), Labcorp
Classification: Pathogenic for Multiple congenital exostosis. Last evaluated: 2025-08-04. Review status: criteria provided, single submitter. Criteria: Invitae Variant Classification Sherloc (09022015). Collection method: clinical testing. Allele origin: germline.
Comment: This sequence change affects a donor splice site in intron 5 of the EXT1 gene. It is expected to disrupt RNA splicing. Variants that disrupt the donor or acceptor splice site typically lead to a loss of protein function (PMID: 16199547), and loss-of-function variants in EXT1 are known to be pathogenic (PMID: 10679937, 11391482, 19810120). This variant is not present in population databases (gnomAD no frequency). Disruption of this splice site has been observed in individual(s) with multiple osteochondromas (PMID: 19810120; internal data). ClinVar contains an entry for this variant (Variation ID: 845456). Algorithms developed to predict the effect of sequence changes on RNA splicing suggest that this variant may disrupt the consensus splice site. For these reasons, this variant has been classified as Pathogenic.

GeneDx
Classification: Pathogenic. Last evaluated: 2024-01-22. Review status: criteria provided, single submitter. Criteria: GeneDx Variant Classification Process June 2021. Collection method: clinical testing. Allele origin: germline.
Comment: Reported in a patient with multiple osteochondromas in published literature (PMID: 19810120); Canonical splice site variant predicted to result in a null allele in a gene for which loss of function is a known mechanism of disease; Not observed at significant frequency in large population cohorts (gnomAD); This variant is associated with the following publications: (PMID: 25525159, 19810120)

Literature cited by the submitters: PubMed 16199547 (cited by Labcorp Genetics (formerly Invitae), Labcorp); PubMed 10679937 (cited by Labcorp Genetics (formerly Invitae), Labcorp); PubMed 11391482 (cited by Labcorp Genetics (formerly Invitae), Labcorp); PubMed 19810120 (cited by Labcorp Genetics (formerly Invitae), Labcorp).